The following is an entry in ClinVar:

ClinVar aggregate classification (germline): Uncertain significance (1 of 4 stars; one submission).

Submission:

Women's Health and Genetics/Laboratory Corporation of America, LabCorp
Classification: Uncertain significance. Last evaluated: 2025-04-28. Review status: criteria provided, single submitter. Criteria: LabCorp Variant Classification Summary - May 2015. Collection method: clinical testing. Allele origin: germline.
Comment: Variant summary: MTOR c.985G>T (p.Ala329Ser) results in a conservative amino acid change in the encoded protein sequence. Four of five in-silico tools predict a benign effect of the variant on protein function. The variant was absent in 251438 control chromosomes. The available data on variant occurrences in the general population are insufficient to allow any conclusion about variant significance. To our knowledge, no occurrence of c.985G>T in individuals affected with Smith-Kingsmore Syndrome and no experimental evidence demonstrating its impact on protein function have been reported. No submitters have cited clinical-significance assessments for this variant to ClinVar. Based on the evidence outlined above, the variant was classified as uncertain significance.

NM_004958.4(MTOR):c.985G>T (p.Ala329Ser)

Gene: MTOR (mechanistic target of rapamycin kinase; minus strand). Cytogenetic location: 1p36.22.
Variant type: single nucleotide variant.
Coding change: c.985G>T on transcript NM_004958.4 (MANE Select); coding-DNA position 985, G replaced by T.
Protein change: p.Ala329Ser; replaces alanine 329 with serine.
Molecular consequence: missense variant. On other transcripts: 5 prime UTR variant (1).
Genome position (GRCh38, 1-based): chr1:11,247,950, C>A on the plus strand (G>T on the coding strand, the complement: MTOR is on the minus strand). VCF-style: chr1-11247950-C-A. GRCh37 (hg19) VCF-style: chr1-11308007-C-A.
Other names: c.985G>T, p.Ala329Ser (NM_001386500.1); c.-155G>T (NM_001386501.1); short protein forms A329S.
Identifiers: ClinVar variation 3896605 (VCV003896605.2).